The following is an entry in ClinVar:

NM_001346249.2(RALGAPA1):c.6608A>C (p.Gln2203Pro)

Gene: RALGAPA1 (Ral GTPase activating protein catalytic subunit alpha 1; minus strand). Cytogenetic location: 14q13.2.
Variant type: single nucleotide variant.
Coding change: c.6608A>C on transcript NM_001346249.2 (MANE Select); coding-DNA position 6608, A replaced by C.
Protein change: p.Gln2203Pro; replaces glutamine 2203 with proline.
Molecular consequence: missense variant.
Genome position (GRCh38, 1-based): chr14:35,627,339, T>G on the plus strand (A>C on the coding strand, the complement: RALGAPA1 is on the minus strand). VCF-style: chr14-35627339-T-G. GRCh37 (hg19) VCF-style: chr14-36096545-T-G.
Other names: c.5129A>C, p.Gln1710Pro (NM_001283043.3); c.5231A>C, p.Gln1744Pro (NM_001283044.3, NM_001346245.2, NM_001346247.2); c.6467A>C, p.Gln2156Pro (NM_001330075.3, NM_001346248.2); c.5090A>C, p.Gln1697Pro (NM_001346243.2, NM_001346246.2, NM_014990.3 and 1 more transcripts); short protein forms Q1697P, Q1710P, Q1744P, Q2156P, Q2203P.
Identifiers: ClinVar variation 5019410 (VCV005019410.2).

ClinVar aggregate classification (germline): Uncertain significance (1 of 4 stars; one submission).

Conditions:
Neurodevelopmental disorder with hypotonia, neonatal respiratory insufficiency, and thermodysregulation. Identifiers: MedGen C5394091, MONDO:0032921, OMIM 618797.

Submission:

Juno Genomics, Hangzhou Juno Genomics, Inc
Classification: Uncertain significance for Neurodevelopmental disorder with hypotonia, neonatal respiratory insufficiency, and thermodysregulation. Review status: criteria provided, single submitter. Criteria: ACMG Guidelines, 2015. Collection method: clinical testing. Allele origin: germline.
Comment: Absent from controls (or at extremely low frequency if recessive) in Genome Aggregation Database.;Multiple lines of computational evidence support a deleterious effect on the gene or gene product.;Missense variant in a gene that has a low rate of benign missense variation.